The following is an entry in ClinVar:

NM_000255.4(MMUT):c.1196_1197del (p.Val399fs)

Gene: MMUT (methylmalonyl-CoA mutase; minus strand). Cytogenetic location: 6p12.3.
Variant type: Microsatellite.
Coding change: c.1196_1197del on transcript NM_000255.4 (MANE Select); coding-DNA positions 1196 to 1197, 2 bases deleted (TG; older notation c.1196_1197delTG).
Protein change: p.Val399fs; shifts the reading frame from valine 399.
Molecular consequence: frameshift variant.
Genome position (GRCh38, 1-based): chr6:49,451,601-49,451,602, CA deleted on the plus strand (TG on the coding strand, the reverse complement: MMUT is on the minus strand); deleting any 2 consecutive bases within chr6:49,451,601-49,451,604 gives the same sequence; the c. name uses the placement nearest the transcript's 3' end. VCF-style (leftmost placement, unchanged base first): chr6-49451600-TCA-T. GRCh37 (hg19) VCF-style: chr6-49419313-TCA-T.
Other names: c.1196_1197del (NM_000255.3); c.1196_1197delTG (NM_000255.4); short protein forms V399fs.
Identifiers: ClinVar variation 578141 (VCV000578141.16), dbSNP rs1227030642, ClinGen allele CA567155985.

ClinVar aggregate classification (germline): Pathogenic. Review status: criteria provided, multiple submitters, no conflicts (2 of 4 stars). 5 submissions from 5 submitters: Pathogenic (5). Last evaluated 2026-01-22.

Conditions:
Methylmalonic aciduria due to complete methylmalonyl-CoA mutase deficiency.
Methylmalonic aciduria due to methylmalonyl-CoA mutase deficiency (MAMM). Also called: Methylmalonic aciduria, mut type. Identifiers: Orphanet 27, MedGen C1855114, MONDO:0009612, OMIM 251000.
Methylmalonic acidemia (MMA). Also called: Isolated Methylmalonic Acidemia. Identifiers: MedGen C0268583, MeSH C537358, MONDO:0002012, HP:0002912.

Submissions (5):

Natera, Inc.
Classification: Pathogenic for Methylmalonic aciduria due to complete methylmalonyl-CoA mutase deficiency. Last evaluated: 2026-01-22. Review status: criteria provided, single submitter. Criteria: Natera Variant Classification Schema (03/2026). Collection method: clinical testing. Allele origin: germline.
Comment: The c.1196_1197delTG variant in MMUT is a frameshift variant predicted to shift the reading frame beginning at codon 399 and leads to a stop codon 24 codons downstream. This variant is expected to result in nonsense mediated decay, truncation, or a dysfunctional protein product. This variant is rare in the general population with a frequency below the threshold expected for the associated phenotype(s). This variant has been observed in one or more individuals affected with the associated recessive disease, as either homozygous or compound heterozygous with a second variant (PMID: 16281286, 35225935). Given the available evidence, this variant is classified as Pathogenic.

Labcorp Genetics (formerly Invitae), Labcorp
Classification: Pathogenic. Last evaluated: 2025-11-12. Review status: criteria provided, single submitter. Criteria: Invitae Variant Classification Sherloc (09022015). Collection method: clinical testing. Allele origin: germline.
Comment: This sequence change creates a premature translational stop signal (p.Val399Glufs*24) in the MUT gene. It is expected to result in an absent or disrupted protein product. Loss-of-function variants in MUT are known to be pathogenic (PMID: 15781192). This variant is present in population databases (no rsID available, gnomAD no frequency). This premature translational stop signal has been observed in individual(s) with methylmalonic acidemia (PMID: 16281286). ClinVar contains an entry for this variant (Variation ID: 578141). For these reasons, this variant has been classified as Pathogenic.

Laboratorio de Genetica e Diagnostico Molecular, Hospital Israelita Albert Einstein
Classification: Pathogenic for Methylmalonic aciduria due to methylmalonyl-CoA mutase deficiency. Last evaluated: 2022-07-22. Review status: criteria provided, single submitter. Criteria: ACMG Guidelines, 2015. Collection method: clinical testing. Allele origin: germline. Affected: yes. Observed: 1 variant allele.
Comment: ACMG classification criteria: PVS1 very strong, PS4 supporting, PM2 moderated, PM3 moderated

Women's Health and Genetics/Laboratory Corporation of America, LabCorp
Classification: Pathogenic for Methylmalonic acidemia. Last evaluated: 2020-01-21. Review status: criteria provided, single submitter. Criteria: LabCorp Variant Classification Summary - May 2015. Collection method: clinical testing. Allele origin: germline.
Comment: Variant summary: MUT c.1196_1197delTG (p.Val399GlufsX24) results in a premature termination codon, predicted to cause a truncation of the encoded protein or absence of the protein due to nonsense mediated decay, which are commonly known mechanisms for disease. Truncations downstream of this position have been classified as pathogenic by our laboratory. The variant allele was found at a frequency of 4e-06 in 251324 control chromosomes (gnomAD). c.1196_1197delTG has been reported in the literature in one homozygous individual affected with Methylmalonic Acidemia (Worgan_2006). These data indicate that the variant may be associated with disease. To our knowledge, no experimental evidence demonstrating an impact on protein function has been reported. Two ClinVar submitters (evaluation after 2014) cite the variant as pathogenic. Based on the evidence outlined above, the variant was classified as pathogenic.

Mendelics
Classification: Pathogenic for Methylmalonic aciduria due to methylmalonyl-CoA mutase deficiency. Last evaluated: 2019-05-28. Review status: criteria provided, single submitter. Criteria: Mendelics Assertion Criteria 2017. Collection method: clinical testing. Allele origin: unknown.

Literature cited by the submitters: PubMed 16281286 (cited by 3 submitters); PubMed 35225935 (cited by Natera, Inc.); PubMed 15781192 (cited by Labcorp Genetics (formerly Invitae), Labcorp); PubMed 27233228 (cited by Women's Health and Genetics/Laboratory Corporation of America, LabCorp); PubMed 21114891 (cited by Women's Health and Genetics/Laboratory Corporation of America, LabCorp).